The following is an entry in ClinVar:

ClinVar aggregate classification (germline): Uncertain significance. Review status: criteria provided, multiple submitters, no conflicts (2 of 4 stars). 2 submissions from 2 submitters: Uncertain significance (2). Last evaluated 2026-01-12.

Allele frequency attached by ClinVar (database versions not stated): TOPMed 0.00002; ExAC 0.00003; gnomAD exomes 0.00004; gnomAD 0.00007.
gnomAD v4.1: 68 of 1,588,054 alleles (0.0043%); highest among the groups gnomAD compares: South Asian, 0.01%; no homozygotes.

Submissions (2):

Labcorp Genetics (formerly Invitae), Labcorp
Classification: Uncertain significance. Last evaluated: 2026-01-12. Review status: criteria provided, single submitter. Criteria: Invitae Variant Classification Sherloc (09022015). Collection method: clinical testing. Allele origin: germline.
Comment: This sequence change replaces threonine, which is neutral and polar, with isoleucine, which is neutral and non-polar, at codon 301 of the ZNF341 protein (p.Thr301Ile). This variant is present in population databases (rs528799891, gnomAD 0.01%). This variant has not been reported in the literature in individuals affected with ZNF341-related conditions. ClinVar contains an entry for this variant (Variation ID: 2211538). An algorithm developed to predict the effect of missense changes on protein structure and function (PolyPhen-2) suggests that this variant is likely to be tolerated. In summary, the available evidence is currently insufficient to determine the role of this variant in disease. Therefore, it has been classified as a Variant of Uncertain Significance.

Ambry Genetics
Classification: Uncertain significance. Last evaluated: 2025-11-07. Review status: criteria provided, single submitter. Criteria: Ambry Variant Classification Scheme 2023. Collection method: clinical testing. Allele origin: germline.

NM_001282933.2(ZNF341):c.902C>T (p.Thr301Ile)

Gene: ZNF341 (zinc finger protein 341; plus strand). Cytogenetic location: 20q11.22.
Variant type: single nucleotide variant.
Coding change: c.902C>T on transcript NM_001282933.2 (MANE Select); coding-DNA position 902, C replaced by T.
Protein change: p.Thr301Ile; replaces threonine 301 with isoleucine.
Molecular consequence: missense variant. On other transcripts: non-coding transcript variant (1).
Genome position (GRCh38, 1-based): chr20:33,757,308, C>T. VCF-style: chr20-33757308-C-T. GRCh37 (hg19) VCF-style: chr20-32345114-C-T.
Other names: c.632C>T, p.Thr211Ile (NM_001282935.2); c.902C>T, p.Thr301Ile (NM_032819.5); c.902C>T (NM_032819.3); short protein forms T211I, T301I.
Identifiers: ClinVar variation 2211538 (VCV002211538.7), dbSNP rs528799891, ClinGen allele CA9819301.